The following is an entry in ClinVar:

NM_001001548.3(CD36):c.1228_1239del (p.Ile410_Ile413del)

Gene: CD36 (CD36 molecule (CD36 blood group); plus strand). Cytogenetic location: 7q21.11.
Variant type: Deletion.
Coding change: c.1228_1239del on transcript NM_001001548.3 (MANE Select); coding-DNA positions 1228 to 1239, 12 bases deleted (ATTGTGCCTATT).
Protein change: p.Ile410_Ile413del.
Molecular consequence: inframe deletion. On other transcripts: non-coding transcript variant (1).
Genome position (GRCh38, 1-based): chr7:80,673,383-80,673,394, ATTGTGCCTATT deleted; deleting any 12 consecutive bases within chr7:80,673,382-80,673,394 gives the same sequence; the c. name uses the placement nearest the transcript's 3' end. VCF-style (leftmost placement, unchanged base first): chr7-80673381-ATATTGTGCCTAT-A. GRCh37 (hg19) VCF-style: chr7-80302697-ATATTGTGCCTAT-A.
Other names: c.1228_1239del, p.Ile410_Ile413del (NM_000072.3, NM_001001547.3, NM_001127443.2 and 5 more transcripts); c.1228_1239delATTGTGCCTATT (NM_001001547.2); c.1111_1122del, p.Ile371_Ile374del (NM_001289908.1); c.1048_1059del, p.Ile350_Ile353del (NM_001289909.1); c.1000_1011del, p.Ile334_Ile337del (NM_001289911.2); c.1126_1137del, p.Ile376_Ile379del (NM_001371079.1); c.763_774del, p.Ile255_Ile258del (NM_001371080.1, NM_001371081.1).
Identifiers: ClinVar variation 225310 (VCV000225310.12), dbSNP rs550565800, ClinGen allele CA4315743.

ClinVar aggregate classification (germline): Pathogenic/Likely pathogenic. Review status: criteria provided, multiple submitters, no conflicts (2 of 4 stars). 7 submissions from 7 submitters: Pathogenic (2); Likely pathogenic (4). 1 of the submissions does not count toward it. Last evaluated 2025-12-05.

Conditions:
CD36-related disorder. Also called: CD36-related condition; CD36-related disorders.
Platelet-type bleeding disorder 10. Also called: CD36 DEFICIENCY. Identifiers: MedGen C1842090, MONDO:0012031, OMIM 608404.

Submissions (7):

PreventionGenetics, part of Exact Sciences
Classification: Likely pathogenic for CD36-related condition. Last evaluated: 2025-12-05. Review status: criteria provided, single submitter. Criteria: ACMG Guidelines, 2015. Collection method: clinical testing. Allele origin: germline.
Comment: The CD36 c.1228_1239del12 variant is predicted to result in an in-frame deletion (p.Ile410_Ile413del). This variant, alternatively referred to as c.1438_1449del using legacy nomenclature, has been reported in the homozygous or compound heterozygous states in multiple individuals with type 1 CD36 deficiency (see for examples, Kashiwagi et al. 2001. PubMed ID: 11499670; Tanaka et al. 2001. PubMed ID: 11352982; Lo et al. 2015. PubMed ID: 26528880; Hao et al. 2021. PubMed ID: 33942430). Moreover, it has been observed in multiple heterozygotes with type 2 CD36 deficiency (Li et al. 2014. PubMed ID: 25330908; Lyu et al. 2023. PubMed ID: 36813737). Functional studies showed that this variant results in reduced CD36 expression (Kashiwagi et al. 2001. PubMed ID: 11499670; Tanaka et al. 2001. PubMed ID: 11352982; Lo et al. 2015. PubMed ID: 26528880; Masuda et al. 2015. PubMed ID: 25798958). This variant is reported in 1.1% of alleles in individuals of East Asian descent in gnomAD. This variant is interpreted as likely pathogenic.

Department of Pathology and Laboratory Medicine, Sinai Health System
Classification: Likely pathogenic for Platelet-type bleeding disorder 10. Last evaluated: 2023-09-27. Review status: criteria provided, single submitter. Criteria: ACMG Guidelines, 2015. Collection method: research. Allele origin: germline.

Women's Health and Genetics/Laboratory Corporation of America, LabCorp
Classification: Pathogenic for CD36-Related Disorders. Last evaluated: 2023-08-08. Review status: criteria provided, single submitter. Criteria: LabCorp Variant Classification Summary - May 2015. Collection method: clinical testing. Allele origin: germline.
Comment: Variant summary: CD36 c.1228_1239del12 (p.Ile410_Ile413del) results in an in-frame deletion that is predicted to remove four amino acids from the encoded protein. The variant allele was found at a frequency of 0.00078 in 250154 control chromosomes, predominantly at a frequency of 0.011 within the East Asian subpopulation in the gnomAD database. This frequency might reflect a high carrier frequency but does not allow conclusions about variant significance. c.1228_1239del12 has been reported in the literature as a homozygous or a compound heterozygous genotype in multiple individuals affected with features of features of type 1 CD36 deficiency (example, Kashiwagi_2001, Lo_2016, Hao_2021). Some of these studies also reported the variant as a heterozygous genotype in individuals with type II CD36 deficiency. These data indicate that the variant is very likely to be associated with disease. To our knowledge, no experimental evidence demonstrating an impact on protein function has been reported. The following publications have been ascertained in the context of this evaluation (PMID: 33942430, 11499670, 25798958, 26528880). Four submitters have cited clinical-significance assessments for this variant to ClinVar after 2014. All submitters classified the variant as pathogenic/likely pathogenic. Based on the evidence outlined above, the variant was classified as pathogenic.

Beijing Key Laboratry for Genetics of Birth Defects, Beijing Children's Hospital
Classification: Likely pathogenic for Platelet-type bleeding disorder 10. Last evaluated: 2020-12-20. Review status: criteria provided, single submitter. Criteria: ACMG Guidelines, 2015. Collection method: clinical testing. Allele origin: germline. Affected: yes. Observed: 1 variant allele.

Illumina Laboratory Services, Illumina
Classification: Pathogenic for Platelet-type bleeding disorder 10. Last evaluated: 2018-01-04. Review status: criteria provided, single submitter. Criteria: ICSL Variant Classification Criteria 09 May 2019. Collection method: clinical testing. Allele origin: germline.
Comment: The CD36 c.1228_1239delATTGTGCCTATT (p. Ile410_Ile413del) variant, also referred to as c. 1438_1449del, has been reported in five studies in a total of 13 individuals with platelet glycoprotein IV deficiency, including three in a homozygous state, four in a compound heterozygous state, and six in a heterozygous state (Kashiwagi et al. 2001; Tanaka et al. 2001; Li et al. 2014; Masuda et al. 2015; Lo et al. 2016). Typically, individuals homozygous or compound heterozygous for the p.Ile410_Ile413del variant show a type I phenotype with CD36 deficiency on the surface of both platelets and monocytes, while some individuals heterozygous for the variant show a type II phenotype with CD36 deficiency only on the surface of platelets. The p.Ile410_Ile413del variant was found in two unaffected parents of an affected individual and 15/192 control individuals (Kashiwagi et al. 2001; Tanaka et al. 2001; Masuda et al. 2015) in a heterozygous state and is reported at a frequency of 0.01119 in the East Asian population of the Genome Aggregation Database. The 15 control individuals who were heterozygous for the variant had low CD36 expression, but not low enough to be classified as type II. Absence of CD36 surface expression on platelets and monocytes of patient samples was shown by flow cytometry (Kashiwagi et al. 2001; Tanaka et al. 2001; Li et al. 2014; Masuda et al. 2015; Lo et al. 2016). In addition, immunofluorescence experiments with c.1228_1239del expression in HEK293T cells revealed the CD36 protein was retained in the cytoplasm (Kashiwagi et al. 2001). Based on the collective evidence, the p.Ile410_Ile413del variant is classified as pathogenic for platelet glycoprotein IV deficiency. This variant was observed by ICSL as part of a predisposition screen in an ostensibly healthy population.

Soonchunhyang University Bucheon Hospital, Soonchunhyang University Medical Center
Classification: Likely pathogenic for Platelet-type bleeding disorder 10. Last evaluated: 2016-03-18. Review status: criteria provided, single submitter. Criteria: ACMG Guidelines, 2015. Collection method: reference population. Allele origin: germline. Observed: 1 variant allele.

Reproductive Health Research and Development, BGI Genomics
Classification: Likely pathogenic for Platelet glycoprotein IV deficiency. Last evaluated: 2020-01-06. Review status: no assertion criteria provided. Collection method: curation. Allele origin: germline. Not counted in ClinVar's aggregate classification.
Comment: NM_001001547.2:c.1228_1239delATTGTGCCTATT in the CD36 gene has an allele frequency of 0.011 in East Asian subpopulation in the gnomAD database. The CD36 c.1228_1239delATTGTGCCTATT (p. Ile410_Ile413del) variant, also referred to as c. 1438_1449del, has been reported in multiple individuals with platelet glycoprotein IV deficiency, including in homozygous state (PMID: 26528880) and compound heterozygous state with 329-330del (PMID: 25330908). Immunofluorescence experiments with c.1228_1239del expression in HEK293T cells revealed the CD36 protein was retained in the cytoplasm (PMID: 11499670). Taken together, we interprete this variant as Pathogenic/Likely pathogenic variant. ACMG/AMP Criteria applied: PM3; PM4; PS3; PP4.

Literature cited by the submitters: PubMed 33942430 (cited by Women's Health and Genetics/Laboratory Corporation of America, LabCorp); PubMed 11499670 (cited by 4 submitters); PubMed 26528880 (cited by 3 submitters); PubMed 25798958 (cited by 3 submitters); PubMed 11352982 (cited by Illumina Laboratory Services, Illumina); PubMed 25330908 (cited by Illumina Laboratory Services, Illumina).